The following is an entry in ClinVar:

ClinVar aggregate classification (germline): Uncertain significance. Review status: criteria provided, multiple submitters, no conflicts (2 of 4 stars). 2 submissions from 2 submitters: Uncertain significance (2). Last evaluated 2023-04-24.

Conditions:
Autosomal recessive ataxia, Beauce type. Also called: SYNE1-Related Autosomal Recessive Cerebellar Ataxia; Spinocerebellar ataxia, autosomal recessive 8; ATAXIA, RECESSIVE, OF BEAUCE; SYNE1 Deficiency. Identifiers: Orphanet 88644, MedGen C1853116, MONDO:0012549, OMIM 610743.
Emery-Dreifuss muscular dystrophy 4, autosomal dominant (EDMD4). Also called: EMERY-DREIFUSS MUSCULAR DYSTROPHY 4 WITH VARIABLE FEATURES. Identifiers: Orphanet 261, MedGen C2751807, MONDO:0013071, OMIM 612998.

Allele frequency attached by ClinVar (database versions not stated): ExAC 0.00001; gnomAD exomes 0.00001; TOPMed 0.00002.
gnomAD v4.1: 3 of 1,614,072 alleles (0.00019%); highest among the groups gnomAD compares: Admixed American, 0.005%; no homozygotes.

Submissions (2):

Labcorp Genetics (formerly Invitae), Labcorp
Classification: Uncertain significance for Emery-Dreifuss muscular dystrophy 4, autosomal dominant; Autosomal recessive ataxia, Beauce type. Last evaluated: 2023-04-24. Review status: criteria provided, single submitter. Criteria: Invitae Variant Classification Sherloc (09022015). Collection method: clinical testing. Allele origin: germline.
Comment: In summary, the available evidence is currently insufficient to determine the role of this variant in disease. Therefore, it has been classified as a Variant of Uncertain Significance. Algorithms developed to predict the effect of missense changes on protein structure and function output the following: SIFT: "Not Available"; PolyPhen-2: "Benign"; Align-GVGD: "Not Available". The aspartic acid amino acid residue is found in multiple mammalian species, which suggests that this missense change does not adversely affect protein function. ClinVar contains an entry for this variant (Variation ID: 538397). This variant has not been reported in the literature in individuals affected with SYNE1-related conditions. This variant is present in population databases (rs769306377, gnomAD 0.006%). This sequence change replaces glutamic acid, which is acidic and polar, with aspartic acid, which is acidic and polar, at codon 5460 of the SYNE1 protein (p.Glu5460Asp).

Revvity Omics, Revvity
Classification: Uncertain significance. Last evaluated: 2020-05-25. Review status: criteria provided, single submitter. Criteria: ACMG Guidelines, 2015. Collection method: clinical testing. Allele origin: germline.

NM_182961.4(SYNE1):c.16593A>T (p.Glu5531Asp)

Gene: SYNE1 (spectrin repeat containing nuclear envelope protein 1; minus strand). Cytogenetic location: 6q25.2.
Variant type: single nucleotide variant.
Coding change: c.16593A>T on transcript NM_182961.4 (MANE Select); coding-DNA position 16593, A replaced by T.
Protein change: p.Glu5531Asp; replaces glutamic acid 5531 with aspartic acid.
Molecular consequence: missense variant.
Genome position (GRCh38, 1-based): chr6:152,316,966, T>A on the plus strand (A>T on the coding strand, the complement: SYNE1 is on the minus strand). VCF-style: chr6-152316966-T-A. GRCh37 (hg19) VCF-style: chr6-152638101-T-A.
Other names: c.16380A>T, p.Glu5460Asp (NM_033071.5); short protein forms E5460D, E5531D.
Identifiers: ClinVar variation 538397 (VCV000538397.11), dbSNP rs769306377, ClinGen allele CA4055470.
Genomic context (GRCh38, chr6:152,316,966, plus strand): 5'-ATGAGCCAAGACTTTAGCTTTTTCAATCCACTTCAAAATTAATTCAAGCATTTCATTGTA[T>A]TCTTCTAAATGTGATGCTGCCTGAAAAACCAGTAACATTAATGTAACAAATGTAAACTCC-3'
Protein context (NP_892006.3, residues 5521-5541): KLNQAASHLE[Glu5531Asp]YNEMLELILK